The following is an entry in ClinVar:

NM_001042492.3(NF1):c.2079G>A (p.Met693Ile)

Gene: NF1 (neurofibromin 1; plus strand). Cytogenetic location: 17q11.2.
Variant type: single nucleotide variant.
Coding change: c.2079G>A on transcript NM_001042492.3 (MANE Select); coding-DNA position 2079, G replaced by A.
Protein change: p.Met693Ile; replaces methionine 693 with isoleucine.
Molecular consequence: missense variant.
Genome position (GRCh38, 1-based): chr17:31,226,512, G>A. VCF-style: chr17-31226512-G-A. GRCh37 (hg19) VCF-style: chr17-29553530-G-A.
Other names: c.2079G>A, p.Met693Ile (NM_000267.4); short protein forms M693I.
Identifiers: ClinVar variation 2452209 (VCV002452209.2), dbSNP rs2151425728, ClinGen allele CA398982192.

ClinVar aggregate classification (germline): Uncertain significance (1 of 4 stars; one submission).

Conditions:
Hereditary cancer-predisposing syndrome. Also called: Neoplastic Syndromes, Hereditary; Tumor predisposition; Hereditary neoplastic syndrome; Hereditary Cancer Syndrome. Identifiers: Orphanet 140162, MedGen C0027672, MeSH D009386, MONDO:0015356.
Cardiovascular phenotype. Identifiers: MedGen CN230736.

Submission:

Ambry Genetics
Classification: Uncertain significance for Cardiovascular phenotype; Hereditary cancer-predisposing syndrome. Last evaluated: 2022-11-11. Review status: criteria provided, single submitter. Criteria: Ambry Variant Classification Scheme 2023. Collection method: clinical testing. Allele origin: germline.
Comment: The p.M693I variant (also known as c.2079G>A), located in coding exon 18 of the NF1 gene, results from a G to A substitution at nucleotide position 2079. The methionine at codon 693 is replaced by isoleucine, an amino acid with highly similar properties. This amino acid position is conserved. In addition, this alteration is predicted to be deleterious by in silico analysis. Since supporting evidence is limited at this time, the clinical significance of this alteration remains unclear.